The following is an entry in ClinVar:

ClinVar aggregate classification (germline): Uncertain significance (1 of 4 stars; one submission).

Submission:

Labcorp Genetics (formerly Invitae), Labcorp
Classification: Uncertain significance. Last evaluated: 2018-12-13. Review status: criteria provided, single submitter. Criteria: Invitae Variant Classification Sherloc (09022015). Collection method: clinical testing. Allele origin: germline.
Comment: In summary, the available evidence is currently insufficient to determine the role of this variant in disease. Therefore, it has been classified as a Variant of Uncertain Significance. Algorithms developed to predict the effect of missense changes on protein structure and function (SIFT, PolyPhen-2, Align-GVGD) all suggest that this variant is likely to be tolerated, but these predictions have not been confirmed by published functional studies and their clinical significance is uncertain. This variant has not been reported in the literature in individuals with NEDD4L-related conditions. This variant is not present in population databases (ExAC no frequency). This sequence change replaces valine with leucine at codon 203 of the NEDD4L protein (p.Val203Leu). The valine residue is moderately conserved and there is a small physicochemical difference between valine and leucine.

NM_001144967.3(NEDD4L):c.607G>C (p.Val203Leu)

Gene: NEDD4L (NEDD4 like E3 ubiquitin protein ligase; plus strand). Cytogenetic location: 18q21.31.
Variant type: single nucleotide variant.
Coding change: c.607G>C on transcript NM_001144967.3 (MANE Select); coding-DNA position 607, G replaced by C.
Protein change: p.Val203Leu; replaces valine 203 with leucine.
Molecular consequence: missense variant.
Genome position (GRCh38, 1-based): chr18:58,325,089, G>C. VCF-style: chr18-58325089-G-C. GRCh37 (hg19) VCF-style: chr18-55992321-G-C.
Other names: c.244G>C, p.Val82Leu (NM_001144964.1, NM_001144965.2, NM_001144966.3 and 2 more transcripts); c.583G>C, p.Val195Leu (NM_001144968.2, NM_001144969.2); c.607G>C, p.Val203Leu (NM_001243960.2, NM_015277.6); short protein forms V203L, V195L, V82L.
Identifiers: ClinVar variation 659102 (VCV000659102.8), dbSNP rs1601261633, ClinGen allele CA402552695.